The following is an entry in ClinVar:

NM_015909.4(NBAS):c.4516G>A (p.Val1506Ile)

Gene: NBAS (NBAS subunit of NRZ tethering complex; minus strand). Cytogenetic location: 2p24.3.
Variant type: single nucleotide variant.
Coding change: c.4516G>A on transcript NM_015909.4 (MANE Select); coding-DNA position 4516, G replaced by A.
Protein change: p.Val1506Ile; replaces valine 1506 with isoleucine.
Molecular consequence: missense variant. On other transcripts: non-coding transcript variant (1).
Genome position (GRCh38, 1-based): chr2:15,327,816, C>T on the plus strand (G>A on the coding strand, the complement: NBAS is on the minus strand). VCF-style: chr2-15327816-C-T. GRCh37 (hg19) VCF-style: chr2-15467940-C-T.
Other names: short protein forms V1506I.
Identifiers: ClinVar variation 2134589 (VCV002134589.4), dbSNP rs780136630, ClinGen allele CA345895541.
Genomic context (GRCh38, chr2:15,327,816, plus strand): 5'-TTGTTGGAAATACTTCTCCTTTATTTTTAGCCTCTGCCAATTTTCCAGTTCTCAGCAATA[C>T]TTCTGCAAAGCTTTCCACTGGAACATGCTGATAGGTGTCATAGGTCCCTTCAGACTACAC-3'
Protein context (NP_056993.2, residues 1496-1516): QHVPVESFAE[Val1506Ile]LLRTGKLAEA

ClinVar aggregate classification (germline): Uncertain significance (1 of 4 stars; one submission).

Allele frequency attached by ClinVar (database versions not stated): gnomAD 0.00001; TOPMed 0.00001.
gnomAD v4.1: 3 of 1,613,566 alleles (0.00019%); highest among the groups gnomAD compares: African/African-American, 0.0013%; no homozygotes.

Submission:

Labcorp Genetics (formerly Invitae), Labcorp
Classification: Uncertain significance. Last evaluated: 2022-06-29. Review status: criteria provided, single submitter. Criteria: Invitae Variant Classification Sherloc (09022015). Collection method: clinical testing. Allele origin: germline.
Comment: In summary, the available evidence is currently insufficient to determine the role of this variant in disease. Therefore, it has been classified as a Variant of Uncertain Significance. Algorithms developed to predict the effect of missense changes on protein structure and function are either unavailable or do not agree on the potential impact of this missense change (SIFT: "Deleterious"; PolyPhen-2: "Benign"; Align-GVGD: "Class C0"). This variant has not been reported in the literature in individuals affected with NBAS-related conditions. This variant is not present in population databases (gnomAD no frequency). This sequence change replaces valine, which is neutral and non-polar, with isoleucine, which is neutral and non-polar, at codon 1506 of the NBAS protein (p.Val1506Ile).